The following is an entry in ClinVar:

ClinVar aggregate classification (germline): Conflicting classifications of pathogenicity. Review status: criteria provided, conflicting classifications (1 of 4 stars). 3 submissions from 3 submitters: Likely pathogenic (2); Uncertain significance (1). Last evaluated 2023-04-27.

Conditions:
Sotos syndrome (SOTOS). Also called: CHROMOSOME 5q35 DELETION SYNDROME; SOTOS SYNDROME 1; Distinctive facial appearance, overgrowth in childhood, and learning disabilities or delayed development; CEREBRAL GIGANTISM; Sotos' syndrome. Identifiers: Orphanet 821, MedGen C0175695, MONDO:0019349, OMIM 117550.

Allele frequency attached by ClinVar (database versions not stated): gnomAD exomes below 0.00001.
gnomAD v4.1: 1 of 1,614,212 alleles (0.000062%); highest among the groups gnomAD compares: Non-Finnish European, 0.000085%; no homozygotes.

Submissions (3):

Labcorp Genetics (formerly Invitae), Labcorp
Classification: Likely pathogenic. Last evaluated: 2023-04-27. Review status: criteria provided, single submitter. Criteria: Invitae Variant Classification Sherloc (09022015). Collection method: clinical testing. Allele origin: germline.
Comment: This sequence change replaces arginine, which is basic and polar, with histidine, which is basic and polar, at codon 1914 of the NSD1 protein (p.Arg1914His). This variant is not present in population databases (gnomAD no frequency). This missense change has been observed in individual(s) with clinical features of Sotos syndrome (Invitae). ClinVar contains an entry for this variant (Variation ID: 1306845). Advanced modeling of protein sequence and biophysical properties (such as structural, functional, and spatial information, amino acid conservation, physicochemical variation, residue mobility, and thermodynamic stability) performed at Invitae indicates that this missense variant is expected to disrupt NSD1 protein function. This variant disrupts the p.Arg1914 amino acid residue in NSD1. Other variant(s) that disrupt this residue have been determined to be pathogenic (PMID: 15452385, 17565729; Invitae). This suggests that this residue is clinically significant, and that variants that disrupt this residue are likely to be disease-causing. In summary, the currently available evidence indicates that the variant is pathogenic, but additional data are needed to prove that conclusively. Therefore, this variant has been classified as Likely Pathogenic.

3billion
Classification: Likely pathogenic for Sotos syndrome. Last evaluated: 2022-05-22. Review status: criteria provided, single submitter. Criteria: ACMG Guidelines, 2015. Collection method: clinical testing. Allele origin: germline. Affected: yes. Observed: 1 variant allele, 1 heterozygote.
Comment: The variant is absent from the gnomAD v2.1.1 dataset. Different pathogenic amino acid change has been reported with sufficient evidence at the same codon (ClinVar ID: VCV000159375,VCV000159376,PMID:15452385). In silico prediction tools and conservation analysis predicted that this variant was probably damaging to the protein structure/function (REVEL: 0.817>=0.6, 3CNET: 0.998>=0.75). Therefore, this variant is classified as likely pathogenic according to the recommendation of ACMG/AMP guideline.

GeneDx
Classification: Uncertain significance. Last evaluated: 2019-07-01. Review status: criteria provided, single submitter. Criteria: GeneDx Variant Classification Process June 2021. Collection method: clinical testing. Allele origin: germline. Affected: yes.
Comment: Not observed in large population cohorts (Lek et al., 2016); In silico analysis, which includes protein predictors and evolutionary conservation, supports a deleterious effect; Has not been previously published as pathogenic or benign to our knowledge

Literature cited by the submitters: PubMed 15452385 (cited by Labcorp Genetics (formerly Invitae), Labcorp and 3billion); PubMed 17565729 (cited by Labcorp Genetics (formerly Invitae), Labcorp).

NM_022455.5(NSD1):c.5741G>A (p.Arg1914His)

Gene: NSD1 (nuclear receptor binding SET domain protein 1; plus strand). Cytogenetic location: 5q35.3.
Variant type: single nucleotide variant.
Coding change: c.5741G>A on transcript NM_022455.5 (MANE Select); coding-DNA position 5741, G replaced by A.
Protein change: p.Arg1914His; replaces arginine 1914 with histidine.
Molecular consequence: missense variant.
Genome position (GRCh38, 1-based): chr5:177,280,683, G>A. VCF-style: chr5-177280683-G-A. GRCh37 (hg19) VCF-style: chr5-176707684-G-A.
Other names: c.4868G>A, p.Arg1623His (NM_001365684.2, NM_001409308.1, NM_001409309.1 and 1 more transcripts); c.5741G>A, p.Arg1914His (NM_001409301.1, NM_001409302.1, NM_001409303.1); c.5321G>A, p.Arg1774His (NM_001409304.1); c.4988G>A, p.Arg1663His (NM_001409305.1); c.4979G>A, p.Arg1660His (NM_001409306.1, NM_001409307.1); short protein forms R1645H, R1914H, R1774H, R1623H, R1660H, R1663H.
Identifiers: ClinVar variation 1306845 (VCV001306845.6), dbSNP rs587784155, ClinGen allele CA362312978.